The following is an entry in ClinVar:

NM_000531.6(OTC):c.847G>C (p.Gly283Arg)

Gene: OTC (ornithine transcarbamylase; plus strand). Cytogenetic location: Xp11.4.
Variant type: single nucleotide variant.
Coding change: c.847G>C on transcript NM_000531.6 (MANE Select); coding-DNA position 847, G replaced by C.
Protein change: p.Gly283Arg; replaces glycine 283 with arginine.
Molecular consequence: missense variant.
Genome position (GRCh38, 1-based): chrX:38,409,005, G>C. VCF-style: chrX-38409005-G-C. GRCh37 (hg19) VCF-style: chrX-38268258-G-C.
Other names: short protein forms G283R.
Identifiers: ClinVar variation 1218722 (VCV001218722.13), dbSNP rs2068530349, ClinGen allele CA412723701.
Genomic context (GRCh38, chrX:38,409,005, plus strand): 5'-GACACTTGGATAAGCATGGGACAAGAAGAGGAGAAGAAAAAGCGGCTCCAGGCTTTCCAA[G>C]GTTACCAGGTTACAATGAAGGTACAAATTGATGCCTCTCTGAAGGTTCATTAATTCCATT-3'
Protein context (NP_000522.3, residues 273-293): EKKKRLQAFQ[Gly283Arg]YQVTMKTAKV

ClinVar aggregate classification (germline): Uncertain significance. Review status: criteria provided, multiple submitters, no conflicts (2 of 4 stars). 6 submissions from 6 submitters: Uncertain significance (5). 1 of the submissions does not count toward it. Last evaluated 2025-06-09.

Conditions:
Ornithine carbamoyltransferase deficiency (OTCD). Also called: OTC DEFICIENCY; ORNITHINE TRANSCARBAMYLASE DEFICIENCY; ORNITHINE TRANSCARBAMYLASE DEFICIENCY, HYPERAMMONEMIA DUE TO; Ornithine Carbamoyltransferase Deficiency Disease. Identifiers: Orphanet 664, MedGen C0268542, MONDO:0010703, OMIM 311250.

Allele frequency attached by ClinVar (database versions not stated): gnomAD 0.00001; TOPMed 0.00001.
gnomAD v4.1: 1 of 1,209,562 alleles (0.000083%); highest among the groups gnomAD compares: Admixed American, 0.0022%; no homozygotes.

Submissions (6):

Color Diagnostics, LLC DBA Color Health
Classification: Uncertain significance for Ornithine carbamoyltransferase deficiency. Last evaluated: 2025-06-09. Review status: criteria provided, single submitter. Criteria: ACMG Guidelines, 2015. Collection method: clinical testing. Allele origin: germline.
Comment: This missense variant replaces glycine with arginine at codon 283 of the OTC protein. Computational prediction suggests that this variant may have deleterious impact on protein structure and function. To our knowledge, functional studies have not been reported for this variant. This variant has not been reported in individuals affected with OTC-related disorders in the literature. This variant has not been identified in the general population by the Genome Aggregation Database (gnomAD). The available evidence is insufficient to determine the role of this variant in disease conclusively. Therefore, this variant is classified as a Variant of Uncertain Significance.

Labcorp Genetics (formerly Invitae), Labcorp
Classification: Uncertain significance for Ornithine carbamoyltransferase deficiency. Last evaluated: 2024-05-09. Review status: criteria provided, single submitter. Criteria: Invitae Variant Classification Sherloc (09022015). Collection method: clinical testing. Allele origin: germline.
Comment: This sequence change replaces glycine, which is neutral and non-polar, with arginine, which is basic and polar, at codon 283 of the OTC protein (p.Gly283Arg). This variant is not present in population databases (gnomAD no frequency). This variant has not been reported in the literature in individuals affected with OTC-related conditions. ClinVar contains an entry for this variant (Variation ID: 1218722). Advanced modeling of protein sequence and biophysical properties (such as structural, functional, and spatial information, amino acid conservation, physicochemical variation, residue mobility, and thermodynamic stability) performed at Invitae indicates that this missense variant is expected to disrupt OTC protein function with a positive predictive value of 95%. In summary, the available evidence is currently insufficient to determine the role of this variant in disease. Therefore, it has been classified as a Variant of Uncertain Significance.

Genome-Nilou Lab
Classification: Uncertain significance for Ornithine carbamoyltransferase deficiency. Last evaluated: 2021-11-07. Review status: criteria provided, single submitter. Criteria: ACMG Guidelines, 2015. Collection method: clinical testing. Allele origin: germline. Affected: no.

GeneDx
Classification: Uncertain significance. Last evaluated: 2019-11-13. Review status: criteria provided, single submitter. Criteria: GeneDx Variant Classification Process June 2021. Collection method: clinical testing. Allele origin: germline. Affected: yes.
Comment: Not observed in large population cohorts (Lek et al., 2016); The majority of missense variants in this gene are considered pathogenic (Stenson et al., 2014); In silico analysis, which includes protein predictors and evolutionary conservation, supports a deleterious effect; Has not been previously published as pathogenic or benign to our knowledge; Missense variants in nearby residues reported in the Human Gene Mutation Database (Stenson et al., 2014)

Rady Children's Institute for Genomic Medicine, Rady Children's Hospital San Diego
Classification: Uncertain significance for Ornithine transcarbamylase deficiency. Review status: criteria provided, single submitter. Criteria: ACMG Guidelines, 2015. Collection method: clinical testing. Allele origin: germline. Affected: yes. Study: CSER-NYCKidSeq.
Comment: This variant has not been previously reported or functionally characterized in the literature to our knowledge. It is absent from the gnomAD population database and thus is presumed to be rare. The c.847G>C (p.Gly283Arg) variant affects a highly conserved amino acid and is predicted by multiple in silico tools to have a deleterious effect on protein function. Based on the available evidence, the c.847G>C (p.Gly283Arg) variant is classified as Variant of Uncertain Significance.

Natera, Inc.
Classification: Uncertain significance for Ornithine transcarbamylase deficiency. Last evaluated: 2021-03-17. Review status: no assertion criteria provided. Collection method: clinical testing. Allele origin: germline. Not counted in ClinVar's aggregate classification.